The following is an entry in ClinVar:

NM_020928.2(ZSWIM6):c.2635A>G (p.Ile879Val)

Gene: ZSWIM6 (zinc finger SWIM-type containing 6; plus strand). Cytogenetic location: 5q12.1.
Variant type: single nucleotide variant.
Coding change: c.2635A>G on transcript NM_020928.2 (MANE Select); coding-DNA position 2635, A replaced by G.
Protein change: p.Ile879Val; replaces isoleucine 879 with valine.
Molecular consequence: missense variant.
Genome position (GRCh38, 1-based): chr5:61,539,691, A>G. VCF-style: chr5-61539691-A-G. GRCh37 (hg19) VCF-style: chr5-60835518-A-G.
Other names: short protein forms I879V.
Identifiers: ClinVar variation 1398597 (VCV001398597.6), dbSNP rs201456886, ClinGen allele CA119663861.

ClinVar aggregate classification (germline): Uncertain significance (1 of 4 stars; one submission).

Allele frequency attached by ClinVar (database versions not stated): gnomAD exomes 0.00002 and 0.00011; gnomAD 0.00003 and 0.00004; TOPMed 0.00004.
gnomAD v4.1: 155 of 1,551,790 alleles (0.01%); highest among the groups gnomAD compares: Non-Finnish European, 0.013%; no homozygotes.

Submission:

Labcorp Genetics (formerly Invitae), Labcorp
Classification: Uncertain significance. Last evaluated: 2024-11-11. Review status: criteria provided, single submitter. Criteria: Invitae Variant Classification Sherloc (09022015). Collection method: clinical testing. Allele origin: germline.
Comment: This sequence change replaces isoleucine, which is neutral and non-polar, with valine, which is neutral and non-polar, at codon 879 of the ZSWIM6 protein (p.Ile879Val). This variant is present in population databases (rs201456886, gnomAD 0.004%). This variant has not been reported in the literature in individuals affected with ZSWIM6-related conditions. ClinVar contains an entry for this variant (Variation ID: 1398597). Invitae Evidence Modeling of protein sequence and biophysical properties (such as structural, functional, and spatial information, amino acid conservation, physicochemical variation, residue mobility, and thermodynamic stability) indicates that this missense variant is not expected to disrupt ZSWIM6 protein function with a negative predictive value of 80%. In summary, the available evidence is currently insufficient to determine the role of this variant in disease. Therefore, it has been classified as a Variant of Uncertain Significance.